The following is an entry in ClinVar:

NM_020207.7(ERCC6L2):c.4128C>A (p.Ser1376=)

Gene: ERCC6L2 (ERCC excision repair 6 like 2; plus strand). Cytogenetic location: 9q22.32.
Variant type: single nucleotide variant.
Coding change: c.4128C>A on transcript NM_020207.7 (MANE Select); coding-DNA position 4128, C replaced by A.
Protein change: p.Ser1376=; no amino-acid change (serine 1376 retained).
Molecular consequence: synonymous variant. On other transcripts: non-coding transcript variant (1), intron variant (2).
Genome position (GRCh38, 1-based): chr9:96,012,678, C>A. VCF-style: chr9-96012678-C-A. GRCh37 (hg19) VCF-style: chr9-98774960-C-A.
Other names: c.3674+7977C>A (NM_001375291.1, NM_001375292.1).
Identifiers: ClinVar variation 1337477 (VCV001337477.14), dbSNP rs146904029, ClinGen allele CA5140060.

ClinVar aggregate classification (germline): Likely benign. Review status: criteria provided, multiple submitters, no conflicts (2 of 4 stars). 4 submissions from 4 submitters: Likely benign (3). 1 of the submissions does not count toward it. Last evaluated 2025-12-17.

Conditions:
ERCC6L2-related disorder. Also called: ERCC6L2-related condition.

Allele frequency attached by ClinVar (database versions not stated): 1000 Genomes Project 30x 0.00016; 1000 Genomes Project 0.00020; ESP Exome Variant Server 0.00069.
gnomAD v4.1: 128 of 1,367,408 alleles (0.0094%); highest among the groups gnomAD compares: African/African-American, 0.15%; no homozygotes.

Submissions (4):

Labcorp Genetics (formerly Invitae), Labcorp
Classification: Likely benign. Last evaluated: 2025-12-17. Review status: criteria provided, single submitter. Criteria: Invitae Variant Classification Sherloc (09022015). Collection method: clinical testing. Allele origin: germline.

Blueprint Genetics
Classification: Likely benign. Last evaluated: 2023-02-09. Review status: criteria provided, single submitter. Criteria: ACMG Guidelines, 2015. Collection method: clinical testing. Allele origin: germline.

Genetic Services Laboratory, University of Chicago
Classification: Likely benign. Last evaluated: 2020-09-11. Review status: criteria provided, single submitter. Criteria: ACMG Guidelines, 2015. Collection method: clinical testing. Allele origin: germline. Affected: no.

PreventionGenetics, part of Exact Sciences
Classification: Likely benign for ERCC6L2-related condition. Last evaluated: 2019-04-10. Review status: no assertion criteria provided. Collection method: clinical testing. Allele origin: germline. Not counted in ClinVar's aggregate classification.
Comment: This variant is classified as likely benign based on ACMG/AMP sequence variant interpretation guidelines (Richards et al. 2015 PMID: 25741868, with internal and published modifications).